The following is an entry in ClinVar:

NM_000218.3(KCNQ1):c.1514+17830dup

Genes: KCNQ1 (potassium voltage-gated channel subfamily Q member 1; plus strand), KCNQ1OT1 (KCNQ1 opposite strand/antisense transcript 1; minus strand). Cytogenetic location: 11p15.5.
Variant type: Duplication.
Coding change: c.1514+17830dup on transcript NM_000218.3 (MANE Select); 17830 bases into the intron after coding-DNA position 1514, one base duplicated (T; older notation c.1514+17830dupT).
Molecular consequence: intron variant. On other transcripts: non-coding transcript variant (1).
Genome position (GRCh38, 1-based): chr11:2,679,911, T duplicated; the last of 8 consecutive T bases (chr11:2,679,904-2,679,911); duplicating any one gives the same sequence. VCF-style (leftmost placement, unchanged base first): chr11-2679903-A-AT. GRCh37 (hg19) VCF-style: chr11-2701133-A-AT.
Other names: c.1244+17830dup (NM_001406837.1); c.1418+17830dup (NM_001406836.1); c.974+17830dup (NM_001406838.1); c.1133+17830dup (NM_181798.2).
Identifiers: ClinVar variation 2641479 (VCV002641479.24), dbSNP rs544035123, ClinGen allele CA216184145.

ClinVar aggregate classification (germline): Likely benign (1 of 4 stars; one submission).

Submission:

CeGaT Center for Human Genetics Tuebingen
Classification: Likely benign. Last evaluated: 2026-07-01. Review status: criteria provided, single submitter. Criteria: CeGaT Center For Human Genetics Tuebingen Variant Classification Criteria Version 2. Collection method: clinical testing. Allele origin: germline. Affected: yes. Observed: 4 variant alleles.
Comment: KCNQ1OT1: BS1